The following is an entry in ClinVar:

NM_000089.4(COL1A2):c.1219C>A (p.Leu407Ile)

Gene: COL1A2 (collagen type I alpha 2 chain; plus strand). Cytogenetic location: 7q21.3.
Variant type: single nucleotide variant.
Coding change: c.1219C>A on transcript NM_000089.4 (MANE Select); coding-DNA position 1219, C replaced by A.
Protein change: p.Leu407Ile; replaces leucine 407 with isoleucine.
Molecular consequence: missense variant.
Genome position (GRCh38, 1-based): chr7:94,410,910, C>A. VCF-style: chr7-94410910-C-A. GRCh37 (hg19) VCF-style: chr7-94040222-C-A.
Other names: short protein forms L407I.
Identifiers: ClinVar variation 1308559 (VCV001308559.3), dbSNP rs1475280953, ClinGen allele CA368221398.

ClinVar aggregate classification (germline): Uncertain significance. Review status: criteria provided, multiple submitters, no conflicts (2 of 4 stars). 2 submissions from 2 submitters: Uncertain significance (2). Last evaluated 2025-12-16.

Conditions:
Cardiovascular phenotype. Identifiers: MedGen CN230736.

Allele frequency attached by ClinVar (database versions not stated): gnomAD exomes below 0.00001; gnomAD 0.00003; TOPMed 0.00003.
gnomAD v4.1: 6 of 1,613,850 alleles (0.00037%); highest among the groups gnomAD compares: African/African-American, 0.008%; no homozygotes.

Submissions (2):

Ambry Genetics
Classification: Uncertain significance for Cardiovascular phenotype. Last evaluated: 2025-12-16. Review status: criteria provided, single submitter. Criteria: Ambry Variant Classification Scheme 2023. Collection method: clinical testing. Allele origin: germline.
Comment: The p.L407I variant (also known as c.1219C>A), located in coding exon 22 of the COL1A2 gene, results from a C to A substitution at nucleotide position 1219. The leucine at codon 407 is replaced by isoleucine, an amino acid with highly similar properties. This amino acid position is conserved. In addition, the in silico prediction for this alteration is inconclusive. Based on the available evidence, the clinical significance of this variant remains unclear.

GeneDx
Classification: Uncertain significance. Last evaluated: 2019-04-03. Review status: criteria provided, single submitter. Criteria: GeneDx Variant Classification Process June 2021. Collection method: clinical testing. Allele origin: germline. Affected: yes.
Comment: Has not been previously published as pathogenic or benign to our knowledge; Not observed at a significant frequency in large population cohorts (Lek et al., 2016); In silico analysis, which includes protein predictors and evolutionary conservation, supports that this variant does not alter protein structure/function; Occurs in the triple helical domain at the X position in the canonical Gly-X-Y repeat. Although this variant may have an effect on normal protein folding and function, missense substitution at the X position is not a common mechanism of disease